The following is an entry in ClinVar:

NM_001005242.3(PKP2):c.791C>T (p.Ala264Val)

Gene: PKP2 (plakophilin 2; minus strand). Cytogenetic location: 12p11.21.
Variant type: single nucleotide variant.
Coding change: c.791C>T on transcript NM_001005242.3 (MANE Select); coding-DNA position 791, C replaced by T.
Protein change: p.Ala264Val; replaces alanine 264 with valine.
Molecular consequence: missense variant.
Genome position (GRCh38, 1-based): chr12:32,878,089, G>A on the plus strand (C>T on the coding strand, the complement: PKP2 is on the minus strand). VCF-style: chr12-32878089-G-A. GRCh37 (hg19) VCF-style: chr12-33031023-G-A.
Other names: p.A264V:GCA>GTA; c.791C>T, p.Ala264Val (NM_004572.4); short protein forms A264V.
Identifiers: ClinVar variation 45085 (VCV000045085.32), dbSNP rs62001016, ClinGen allele CA012499.
Genomic context (GRCh38, chr12:32,878,089, plus strand): 5'-CTGTTCTGAGTGACGGGCTGCAGGGGCACCAGCGGCCTGACCTGCCCGACAGTGAGCCCT[G>A]CCGTCAGGTAGTTCTCCTTCTCCAAGAGGTTGCCCATGCTGCGGCTGGTCCCTGGCCTGG-3'
Protein context (NP_001005242.2, residues 254-274): NLLEKENYLT[Ala264Val]GLTVGQVRPL

ClinVar aggregate classification (germline): Benign/Likely benign. Review status: criteria provided, multiple submitters, no conflicts (2 of 4 stars). 13 submissions from 13 submitters: Benign (10); Likely benign (3). Last evaluated 2026-02-04.

Conditions:
Arrhythmogenic right ventricular cardiomyopathy (ARVD). Also called: Arrhythmogenic Right Ventricular Cardiomyopathy (ARVC); Arrhythmogenic cardiomyopathy; Cardiomyopathy, ARVC; Arrhythmogenic right ventricular dysplasia. Identifiers: Orphanet 247, MedGen C0349788, MeSH D019571, MONDO:0016587. Disease mechanism: loss of function. Inheritance: Various modes of inheritance.
Cardiomyopathy (CMYO). Also called: Cardiomyopathies. Identifiers: Orphanet 167848, MedGen C0878544, MONDO:0004994, HP:0001638. Inheritance: Various modes of inheritance.
Arrhythmogenic right ventricular dysplasia 9 (ARVD9). Also called: ARRHYTHMOGENIC RIGHT VENTRICULAR DYSPLASIA, FAMILIAL, 9; Arrhythmogenic Right Ventricular Dysplasia/Cardiomyopathy 9. Identifiers: MedGen C1836906, MONDO:0012180, OMIM 609040.

Allele frequency attached by ClinVar (database versions not stated): gnomAD exomes 0.00246 and 0.00086; 1000 Genomes Project 0.01158; gnomAD 0.01013 and 0.00948; 1000 Genomes Project 30x 0.01265; ESP Exome Variant Server 0.01053; ExAC 0.00305; TOPMed 0.01008.
gnomAD v4.1: 2,725 of 1,614,146 alleles (0.17%); highest among the groups gnomAD compares: African/African-American, 3.2%; 42 homozygotes.

Submissions (18):

Labcorp Genetics (formerly Invitae), Labcorp
Classification: Benign for Arrhythmogenic right ventricular dysplasia 9. Last evaluated: 2026-02-04. Review status: criteria provided, single submitter. Criteria: Invitae Variant Classification Sherloc (09022015). Collection method: clinical testing. Allele origin: germline.

ARUP Laboratories, Molecular Genetics and Genomics, ARUP Laboratories
Classification: Benign for Arrhythmogenic right ventricular dysplasia 9. Last evaluated: 2025-03-25. Review status: criteria provided, single submitter. Criteria: ARUP Molecular Germline Variant Investigation Process 2024. Collection method: clinical testing. Allele origin: germline.

All of Us Research Program, National Institutes of Health
Classification: Benign for Arrhythmogenic right ventricular cardiomyopathy. Last evaluated: 2024-09-27. Review status: criteria provided, single submitter. Criteria: ACMG Guidelines, 2015. Collection method: clinical testing. Allele origin: germline. Inheritance: Autosomal dominant inheritance. Observed: 766 variant alleles, 753 heterozygotes, 13 homozygotes.
Comment: This study involves interpretation of variants in research participants for the purpose of population health screening. Participant phenotype was not available at the time of variant classification. Additional details can be found in publication PMID: 35346344, PMCID: PMC8962531

Color Diagnostics, LLC DBA Color Health
Classification: Benign for Cardiomyopathy. Last evaluated: 2018-03-13. Review status: criteria provided, single submitter. Criteria: ACMG Guidelines, 2015. Collection method: clinical testing. Allele origin: germline.

Illumina Laboratory Services, Illumina
Classification: Likely benign for Arrhythmogenic right ventricular dysplasia 9. Last evaluated: 2018-01-12. Review status: criteria provided, single submitter. Criteria: ICSL Variant Classification Criteria 13 December 2019. Collection method: clinical testing. Allele origin: germline.
Comment: This variant was observed in the ICSL laboratory as part of a predisposition screen in an ostensibly healthy population. It had not been previously curated by ICSL or reported in the Human Gene Mutation Database (HGMD: prior to June 1st, 2018), and was therefore a candidate for classification through an automated scoring system. Utilizing variant allele frequency, disease prevalence and penetrance estimates, and inheritance mode, an automated score was calculated to assess if this variant is too frequent to cause the disease. Based on the score and internal cut-off values, a variant classified as likely benign is not then subjected to further curation. The score for this variant resulted in a classification of likely benign for this disease.

CHEO Genetics Diagnostic Laboratory, Children's Hospital of Eastern Ontario
Classification: Benign for Cardiomyopathy. Last evaluated: 2016-08-02. Review status: criteria provided, single submitter. Criteria: ACMG Guidelines, 2015. Collection method: clinical testing. Allele origin: germline. Study: Canadian Open Genetics Repository.

Genomic Diagnostic Laboratory, Division of Genomic Diagnostics, Children's Hospital of Philadelphia
Classification: Likely benign for Arrhythmogenic right ventricular cardiomyopathy. Last evaluated: 2015-04-14. Review status: criteria provided, single submitter. Criteria: DGD Variant Analysis Guidelines. Collection method: clinical testing. Allele origin: unknown.

Mayo Clinic Laboratories, Mayo Clinic
Classification: Benign. Last evaluated: 2014-10-16. Review status: criteria provided, single submitter. Criteria: ACMG Guidelines, 2015. Collection method: clinical testing. Allele origin: germline. Observed: 16 variant alleles.

GeneDx
Classification: Benign. Last evaluated: 2014-03-22. Review status: criteria provided, single submitter. Criteria: GeneDx Variant Classification (06012015). Collection method: clinical testing. Allele origin: germline. Affected: yes.
Comment: This variant is considered likely benign or benign based on one or more of the following criteria: it is a conservative change, it occurs at a poorly conserved position in the protein, it is predicted to be benign by multiple in silico algorithms, and/or has population frequency not consistent with disease.

Biesecker Lab/Clinical Genomics Section, National Institutes of Health
Classification: Benign. Last evaluated: 2013-06-24. Review status: criteria provided, single submitter. Criteria: Ng et al. (Circ Cardiovasc Genet. 2013). Collection method: research. Allele origin: unknown. Observed: 4 variant alleles. Study: ClinSeq.
Comment: The study set was not selected for affection status in relation to any cancer. Pathogenicity categories were based on literature curation. See Pubmed ID:23861362 for details.

Medical sequencing

Laboratory for Molecular Medicine, Mass General Brigham Personalized Medicine
Classification: Benign. Last evaluated: 2012-01-24. Review status: criteria provided, single submitter. Criteria: LMM Criteria. Collection method: clinical testing. Allele origin: germline. Observed: 21 variant alleles.
Comment: Classified as benign based on high population frequency (MAF>0.01 and # of minor alleles >30)

Breakthrough Genomics
Classification: Likely benign. Review status: criteria provided, single submitter. Criteria: ACMG Guidelines, 2015. Collection method: not provided. Allele origin: germline. Inheritance: Autosomal dominant inheritance. Affected: yes.

Molecular Diagnostic Laboratory for Inherited Cardiovascular Disease, Montreal Heart Institute
Classification: Benign. Review status: criteria provided, single submitter. Criteria: ACMG Guidelines, 2015. Collection method: clinical testing. Allele origin: germline. Affected: yes.

Dr. Peter K. Rogan Lab, Western University
No classification provided (evidence only). Condition: Acute myeloid leukemia. Review status: no classification provided. Collection method: in vitro. Allele origin: not applicable. Functional consequence: retained intron. Not counted in ClinVar's aggregate classification.

Dr. Peter K. Rogan Lab, Western University
No classification provided (evidence only). Condition: Colon adenocarcinoma. Review status: no classification provided. Collection method: in vitro. Allele origin: not applicable. Functional consequence: retained intron. Not counted in ClinVar's aggregate classification.

Dr. Peter K. Rogan Lab, Western University
No classification provided (evidence only). Condition: Uterine corpus endometrial carcinoma. Review status: no classification provided. Collection method: in vitro. Allele origin: not applicable. Functional consequence: retained intron. Not counted in ClinVar's aggregate classification.

Dr. Peter K. Rogan Lab, Western University
No classification provided (evidence only). Condition: Ovarian serous cystadenocarcinoma. Review status: no classification provided. Collection method: in vitro. Allele origin: not applicable. Functional consequence: retained intron. Not counted in ClinVar's aggregate classification.

Dr. Peter K. Rogan Lab, Western University
No classification provided (evidence only). Condition: Gastric cancer. Review status: no classification provided. Collection method: in vitro. Allele origin: not applicable. Functional consequence: retained intron. Not counted in ClinVar's aggregate classification.